The following is an entry in ClinVar:

ClinVar aggregate classification (germline): Uncertain significance (1 of 4 stars; one submission).

Conditions:
Diamond-Blackfan anemia. Also called: Blackfan Diamond syndrome; Aregenerative anemia chronic congenital; Red cell aplasia, pure hereditary; Congenital hypoplastic anemia; Aase syndrome. Identifiers: Orphanet 124, MedGen C1260899, MeSH D029503, MONDO:0015253, HP:0004810.
GATA binding protein 1 related thrombocytopenia with dyserythropoiesis. Also called: GATA1-Related Cytopenia; GATA1-Related X-Linked Cytopenia. Identifiers: MedGen C1845837, MONDO:0100089.

Submission:

Labcorp Genetics (formerly Invitae), Labcorp
Classification: Uncertain significance for GATA binding protein 1 related thrombocytopenia with dyserythropoiesis; Diamond-Blackfan anemia. Last evaluated: 2025-11-23. Review status: criteria provided, single submitter. Criteria: Invitae Variant Classification Sherloc (09022015). Collection method: clinical testing. Allele origin: germline.
Comment: This variant, c.516_518del, results in the deletion of 1 amino acid(s) of the GATA1 protein (p.Phe173del), but otherwise preserves the integrity of the reading frame. This variant is present in population databases (no rsID available, gnomAD 0.005%), including at least one homozygous and/or hemizygous individual. This variant has not been reported in the literature in individuals affected with GATA1-related conditions. Experimental studies and prediction algorithms are not available or were not evaluated, and the functional significance of this variant is currently unknown. In summary, the available evidence is currently insufficient to determine the role of this variant in disease. Therefore, it has been classified as a Variant of Uncertain Significance.

NM_002049.4(GATA1):c.513CTT[1] (p.Phe173del)

Gene: GATA1 (GATA binding protein 1; plus strand). Cytogenetic location: Xp11.23.
Variant type: Microsatellite.
Coding change: c.513CTT[1] on transcript NM_002049.4 (MANE Select); one copy of the 3-base unit CTT starting at c.513; the reference has two copies in a row; one copy, 3 bases deleted.
Protein change: p.Phe173del; deletes phenylalanine 173.
Genome position (GRCh38, 1-based): chrX:48,792,139-48,792,141, CTT deleted; deleting any 3 consecutive bases within chrX:48,792,136-48,792,141 gives the same sequence; the position shown is the placement nearest the transcript's 3' end. VCF-style (leftmost placement, unchanged base first): chrX-48792135-CCTT-C. GRCh37 (hg19) VCF-style: chrX-48650542-CCTT-C.
Other names: short protein forms F173del.
Identifiers: ClinVar variation 4794881 (VCV004794881.1).
Genomic context (GRCh38, chrX:48,792,135, plus strand): 5'-CACTGCCTTCATCACTCCCTGTCCCCAATAGTGCTTATGGGGGCCCTGACTTTTCCAGTA[CCTT>C]CTTTTCTCCCACCGGGAGCCCCCTCAATTCAGCAGCCTATTCCTCTCCCAAGCTTCGTGG-3'